The following is an entry in ClinVar:

ClinVar aggregate classification (germline): Uncertain significance (1 of 4 stars; one submission).

Conditions:
Combined oxidative phosphorylation defect type 27. Also called: Combined oxidative phosphorylation deficiency 27. Identifiers: Orphanet 477774, MedGen C5567608, MONDO:0014728, OMIM 616672.

Allele frequency attached by ClinVar (database versions not stated): gnomAD 0.00001; TOPMed 0.00002.
gnomAD v4.1: 3 of 1,613,984 alleles (0.00019%); highest among the groups gnomAD compares: African/African-American, 0.004%; no homozygotes.

Submission:

Labcorp Genetics (formerly Invitae), Labcorp
Classification: Uncertain significance for Combined oxidative phosphorylation defect type 27. Last evaluated: 2022-05-22. Review status: criteria provided, single submitter. Criteria: Invitae Variant Classification Sherloc (09022015). Collection method: clinical testing. Allele origin: germline.
Comment: This sequence change replaces leucine, which is neutral and non-polar, with methionine, which is neutral and non-polar, at codon 552 of the CARS2 protein (p.Leu552Met). This variant is present in population databases (no rsID available, gnomAD 0.007%). This variant has not been reported in the literature in individuals affected with CARS2-related conditions. Algorithms developed to predict the effect of missense changes on protein structure and function output the following: SIFT: "Tolerated"; PolyPhen-2: "Benign"; Align-GVGD: "Class C0". The methionine amino acid residue is found in multiple mammalian species, which suggests that this missense change does not adversely affect protein function. In summary, the available evidence is currently insufficient to determine the role of this variant in disease. Therefore, it has been classified as a Variant of Uncertain Significance.

NM_024537.4(CARS2):c.1654C>A (p.Leu552Met)

Gene: CARS2 (cysteinyl-tRNA synthetase 2, mitochondrial; minus strand). Cytogenetic location: 13q34.
Variant type: single nucleotide variant.
Coding change: c.1654C>A on transcript NM_024537.4 (MANE Select); coding-DNA position 1654, C replaced by A.
Protein change: p.Leu552Met; replaces leucine 552 with methionine.
Molecular consequence: missense variant. On other transcripts: non-coding transcript variant (2).
Genome position (GRCh38, 1-based): chr13:110,641,578, G>T on the plus strand (C>A on the coding strand, the complement: CARS2 is on the minus strand). VCF-style: chr13-110641578-G-T. GRCh37 (hg19) VCF-style: chr13-111293925-G-T.
Other names: c.868C>A, p.Leu290Met (NM_001352252.2); short protein forms L552M, L290M.
Identifiers: ClinVar variation 2193790 (VCV002193790.1), dbSNP rs1032204870, ClinGen allele CA256321847.